The following is an entry in ClinVar:

NM_001174150.2(ARL13B):c.65T>G (p.Val22Gly)

Gene: ARL13B (ARF like GTPase 13B; plus strand). Cytogenetic location: 3q11.1.
Variant type: single nucleotide variant.
Coding change: c.65T>G on transcript NM_001174150.2 (MANE Select); coding-DNA position 65, T replaced by G.
Protein change: p.Val22Gly; replaces valine 22 with glycine.
Molecular consequence: missense variant. On other transcripts: 5 prime UTR variant (1), non-coding transcript variant (2), intron variant (2).
Genome position (GRCh38, 1-based): chr3:93,995,879, T>G. VCF-style: chr3-93995879-T-G. GRCh37 (hg19) VCF-style: chr3-93714723-T-G.
Other names: c.-103T>G (NM_001321328.2); c.65T>G, p.Val22Gly (NM_182896.3); c.-179-7780T>G (NM_001174151.2); c.59+15397T>G (NM_144996.4); short protein forms V22G.
Identifiers: ClinVar variation 217551 (VCV000217551.2), dbSNP rs863225149, ClinGen allele CA279441.

ClinVar aggregate classification (germline): Conflicting classifications of pathogenicity. Review status: criteria provided, conflicting classifications (1 of 4 stars). 2 submissions from 2 submitters: Pathogenic (1); Uncertain significance (1). Last evaluated 2025-09-29.

Conditions:
Joubert syndrome 8 (JBTS8). Identifiers: Orphanet 475, MedGen C2676771, MONDO:0012855, OMIM 612291.

Submissions (2):

Labcorp Genetics (formerly Invitae), Labcorp
Classification: Uncertain significance for Joubert syndrome 8. Last evaluated: 2025-09-29. Review status: criteria provided, single submitter. Criteria: Invitae Variant Classification Sherloc (09022015). Collection method: clinical testing. Allele origin: germline.
Comment: This sequence change replaces valine, which is neutral and non-polar, with glycine, which is neutral and non-polar, at codon 22 of the ARL13B protein (p.Val22Gly). This variant is not present in population databases (gnomAD no frequency). This missense change has been observed in individual(s) with clinical features of Joubert syndrome (PMID: 26092869; internal data). ClinVar contains an entry for this variant (Variation ID: 217551). Invitae Evidence Modeling of protein sequence and biophysical properties (such as structural, functional, and spatial information, amino acid conservation, physicochemical variation, residue mobility, and thermodynamic stability) indicates that this missense variant is expected to disrupt ARL13B protein function with a positive predictive value of 80%. In summary, the available evidence is currently insufficient to determine the role of this variant in disease. Therefore, it has been classified as a Variant of Uncertain Significance.

UW Hindbrain Malformation Research Program, University of Washington
Classification: Pathogenic for Joubert syndrome 8. Last evaluated: 2015-02-23. Review status: criteria provided, single submitter. Criteria: Bachmann-Gagescu et al. (J Med Genet. 2015). Collection method: research. Allele origin: unknown. Affected: yes.

Literature cited by the submitters: PubMed 26092869 (cited by Labcorp Genetics (formerly Invitae), Labcorp).